The following is an entry in ClinVar:

NM_000526.5(KRT14):c.389T>C (p.Leu130Pro)

Gene: KRT14 (keratin 14; minus strand). Cytogenetic location: 17q21.2.
Variant type: single nucleotide variant.
Coding change: c.389T>C on transcript NM_000526.5 (MANE Select); coding-DNA position 389, T replaced by C.
Protein change: p.Leu130Pro; replaces leucine 130 with proline.
Molecular consequence: missense variant.
Genome position (GRCh38, 1-based): chr17:41,586,446, A>G on the plus strand (T>C on the coding strand, the complement: KRT14 is on the minus strand). VCF-style: chr17-41586446-A-G. GRCh37 (hg19) VCF-style: chr17-39742698-A-G.
Other names: short protein forms L130P.
Identifiers: ClinVar variation 66355 (VCV000066355.6), dbSNP rs57522245, ClinGen allele CA216935.
Genomic context (GRCh38, chr17:41,586,446, plus strand): 5'-CAGTCACGGATCTTCACTTCCAGGTCGGCGTTGGCCTCCTCCAGAGCACGCACCTTGTCC[A>G]GGTAGGAGGCCAGGCGGTCATTGAGGTTCTGCATGGTCACCTTCTCACTGCCCACCAGAA-3'
Protein context (NP_000517.3, residues 120-140): QNLNDRLASY[Leu130Pro]DKVRALEEAN

ClinVar aggregate classification (germline): Pathogenic. Review status: criteria provided, single submitter (1 of 4 stars). 2 submissions from 2 submitters: Pathogenic (1). 1 of the submissions does not count toward it. Last evaluated 2022-05-04.

Submissions (2):

Labcorp Genetics (formerly Invitae), Labcorp
Classification: Pathogenic. Last evaluated: 2022-05-04. Review status: criteria provided, single submitter. Criteria: Invitae Variant Classification Sherloc (09022015). Collection method: clinical testing. Allele origin: germline.
Comment: ClinVar contains an entry for this variant (Variation ID: 66355). For these reasons, this variant has been classified as Pathogenic. Advanced modeling of protein sequence and biophysical properties (such as structural, functional, and spatial information, amino acid conservation, physicochemical variation, residue mobility, and thermodynamic stability) performed at Invitae indicates that this missense variant is expected to disrupt KRT14 protein function. This missense change has been observed in individuals with epidermolysis bullosa simplex (PMID: 12655565, 16786515; Invitae). This variant is not present in population databases (gnomAD no frequency). This sequence change replaces leucine, which is neutral and non-polar, with proline, which is neutral and non-polar, at codon 130 of the KRT14 protein (p.Leu130Pro).

Epithelial Biology;  Institute of Medical Biology, Singapore
No classification provided. Review status: no classification provided. Collection method: not provided. Allele origin: not provided. Not counted in ClinVar's aggregate classification.

Literature cited by the submitters: PubMed 12655565 (cited by Labcorp Genetics (formerly Invitae), Labcorp); PubMed 16786515 (cited by Labcorp Genetics (formerly Invitae), Labcorp).